The following is an entry in ClinVar:

NM_001177316.2(SLC34A3):c.560+41_560+42insCA

Gene: SLC34A3 (solute carrier family 34 member 3; plus strand). Cytogenetic location: 9q34.3.
Variant type: Insertion.
Coding change: c.560+41_560+42insCA on transcript NM_001177316.2 (MANE Select); bases 41 to 42 of the intron after coding-DNA position 560, CA inserted.
Molecular consequence: intron variant.
Genome position: GRCh38 VCF-style: chr9-137233156-C-CCA. GRCh37 (hg19) VCF-style: chr9-140127608-C-CCA.
Other names: c.560+41_560+42insCA (NM_001177317.2, NM_080877.3).
Identifiers: ClinVar variation 4983778 (VCV004983778.1).

ClinVar aggregate classification (germline): Likely benign (1 of 4 stars; one submission).

Conditions:
SLC34A3-related disorder. Also called: SLC34A3-related condition.

Submission:

PreventionGenetics, part of Exact Sciences
Classification: Likely benign for SLC34A3-related condition. Last evaluated: 2024-10-23. Review status: criteria provided, single submitter. Criteria: ACMG Guidelines, 2015. Collection method: clinical testing. Allele origin: germline.
Comment: This variant is classified as likely benign based on ACMG/AMP sequence variant interpretation guidelines (Richards et al. 2015 PMID: 25741868, with internal and published modifications).